The following is an entry in ClinVar:

ClinVar aggregate classification (germline): Uncertain significance (1 of 4 stars; one submission).

Allele frequency attached by ClinVar (database versions not stated): gnomAD exomes 0.00001; ExAC 0.00002; gnomAD 0.00002; TOPMed 0.00002; ESP Exome Variant Server 0.00008.
gnomAD v4.1: 15 of 1,613,354 alleles (0.00093%); highest among the groups gnomAD compares: Non-Finnish European, 0.0012%; no homozygotes.

Submission:

Labcorp Genetics (formerly Invitae), Labcorp
Classification: Uncertain significance. Last evaluated: 2022-05-20. Review status: criteria provided, single submitter. Criteria: Invitae Variant Classification Sherloc (09022015). Collection method: clinical testing. Allele origin: germline.
Comment: In summary, the available evidence is currently insufficient to determine the role of this variant in disease. Therefore, it has been classified as a Variant of Uncertain Significance. Algorithms developed to predict the effect of missense changes on protein structure and function (SIFT, PolyPhen-2, Align-GVGD) all suggest that this variant is likely to be tolerated. This variant has not been reported in the literature in individuals affected with LIG1-related conditions. This variant is present in population databases (rs377631588, gnomAD 0.004%). This sequence change replaces glycine, which is neutral and non-polar, with arginine, which is basic and polar, at codon 259 of the LIG1 protein (p.Gly259Arg).

NM_000234.3(LIG1):c.775G>A (p.Gly259Arg)

Gene: LIG1 (DNA ligase 1; minus strand). Cytogenetic location: 19q13.33.
Variant type: single nucleotide variant.
Coding change: c.775G>A on transcript NM_000234.3 (MANE Select); coding-DNA position 775, G replaced by A.
Protein change: p.Gly259Arg; replaces glycine 259 with arginine.
Molecular consequence: missense variant. On other transcripts: non-coding transcript variant (6).
Genome position (GRCh38, 1-based): chr19:48,149,764, C>T on the plus strand (G>A on the coding strand, the complement: LIG1 is on the minus strand). VCF-style: chr19-48149764-C-T. GRCh37 (hg19) VCF-style: chr19-48653021-C-T.
Other names: c.682G>A, p.Gly228Arg (NM_001289063.2); c.571G>A, p.Gly191Arg (NM_001289064.2); c.772G>A, p.Gly258Arg (NM_001320970.2); c.685G>A, p.Gly229Arg (NM_001320971.2); short protein forms G229R, G258R, G228R, G191R, G259R.
Identifiers: ClinVar variation 2058819 (VCV002058819.4), dbSNP rs377631588, ClinGen allele CA9547141.